The following is an entry in ClinVar:

NM_138477.4(CDAN1):c.2463G>A (p.Gly821=)

Gene: CDAN1 (codanin 1; minus strand). Cytogenetic location: 15q15.2.
Variant type: single nucleotide variant.
Coding change: c.2463G>A on transcript NM_138477.4 (MANE Select); coding-DNA position 2463, G replaced by A.
Protein change: p.Gly821=; no amino-acid change (glycine 821 retained).
Molecular consequence: synonymous variant.
Genome position (GRCh38, 1-based): chr15:42,729,307, C>T on the plus strand (G>A on the coding strand, the complement: CDAN1 is on the minus strand). VCF-style: chr15-42729307-C-T. GRCh37 (hg19) VCF-style: chr15-43021505-C-T.
Other names: p.Gly821=; c.2463G>A, p.Gly821= (LRG_1164t1).
Identifiers: ClinVar variation 262372 (VCV000262372.50), dbSNP rs139809959, ClinGen allele CA7515643.

ClinVar aggregate classification (germline): Benign/Likely benign. Review status: criteria provided, multiple submitters, no conflicts (2 of 4 stars). 10 submissions from 10 submitters: Benign (1); Likely benign (7). 2 of the submissions do not count toward it. Last evaluated 2026-05-01.

Conditions:
Anemia, congenital dyserythropoietic, type 1a (CDAN1A). Also called: DYSERYTHROPOIETIC ANEMIA, CONGENITAL, TYPE Ia; CDAN1-Related Congenital Dyserythropoietic Anemia. Identifiers: MedGen C5574667, MONDO:0009135, OMIM 224120.
Congenital dyserythropoietic anemia, type I. Also called: Dyserythropoietic anemia, congenital type 1. Identifiers: Orphanet 98869, MedGen C0271933, MONDO:0020337. Disease mechanism: loss of function.

Allele frequency attached by ClinVar (database versions not stated): 1000 Genomes Project 30x 0.00125; 1000 Genomes Project 0.00140; ExAC 0.00152; ESP Exome Variant Server 0.00154; gnomAD exomes 0.00163; gnomAD 0.00200 and 0.00204; TOPMed 0.00252.

Submissions (10):

CeGaT Center for Human Genetics Tuebingen
Classification: Likely benign. Last evaluated: 2026-05-01. Review status: criteria provided, single submitter. Criteria: CeGaT Center For Human Genetics Tuebingen Variant Classification Criteria Version 2. Collection method: clinical testing. Allele origin: germline. Affected: yes. Observed: 5 variant alleles.
Comment: CDAN1: BP4, BP7

Labcorp Genetics (formerly Invitae), Labcorp
Classification: Benign. Last evaluated: 2026-02-01. Review status: criteria provided, single submitter. Criteria: Invitae Variant Classification Sherloc (09022015). Collection method: clinical testing. Allele origin: germline.

ARUP Laboratories, Molecular Genetics and Genomics, ARUP Laboratories
Classification: Likely benign for Anemia, congenital dyserythropoietic, type 1a. Last evaluated: 2025-07-28. Review status: criteria provided, single submitter. Criteria: ARUP Molecular Germline Variant Investigation Process 2024. Collection method: clinical testing. Allele origin: germline.

Mayo Clinic Laboratories, Mayo Clinic
Classification: Likely benign. Last evaluated: 2025-04-22. Review status: criteria provided, single submitter. Criteria: ACMG Guidelines, 2015. Collection method: clinical testing. Allele origin: germline. Observed: 5 variant alleles.

Blueprint Genetics
Classification: Likely benign. Last evaluated: 2024-11-11. Review status: criteria provided, single submitter. Criteria: ACMG Guidelines, 2015. Collection method: clinical testing. Allele origin: germline.

Illumina Laboratory Services, Illumina
Classification: Likely benign for Anemia, congenital dyserythropoietic, type 1a. Last evaluated: 2018-01-13. Review status: criteria provided, single submitter. Criteria: ICSL Variant Classification Criteria 13 December 2019. Collection method: clinical testing. Allele origin: germline.
Comment: This variant was observed in the ICSL laboratory as part of a predisposition screen in an ostensibly healthy population. It had not been previously curated by ICSL or reported in the Human Gene Mutation Database (HGMD: prior to June 1st, 2018), and was therefore a candidate for classification through an automated scoring system. Utilizing variant allele frequency, disease prevalence and penetrance estimates, and inheritance mode, an automated score was calculated to assess if this variant is too frequent to cause the disease. Based on the score and internal cut-off values, a variant classified as likely benign is not then subjected to further curation. The score for this variant resulted in a classification of likely benign for this disease.

Breakthrough Genomics
Classification: Likely benign. Review status: criteria provided, single submitter. Criteria: ACMG Guidelines, 2015. Collection method: not provided. Allele origin: germline. Inheritance: Autosomal recessive inheritance. Affected: yes.

PreventionGenetics, part of Exact Sciences
Classification: Likely benign. Review status: criteria provided, single submitter. Criteria: ACMG Guidelines, 2015. Collection method: clinical testing. Allele origin: germline.

Clinical Genetics DNA and cytogenetics Diagnostics Lab, Erasmus MC, Erasmus Medical Center
Classification: Benign. Review status: no assertion criteria provided. Collection method: clinical testing. Allele origin: germline. Affected: yes. Study: VKGL Data-share Consensus. Not counted in ClinVar's aggregate classification.

Laboratory of Diagnostic Genome Analysis, Leiden University Medical Center (LUMC)
Classification: Likely benign. Review status: no assertion criteria provided. Collection method: clinical testing. Allele origin: germline. Affected: yes. Study: VKGL Data-share Consensus. Not counted in ClinVar's aggregate classification.